The following is an entry in ClinVar:

NM_018941.4(CLN8):c.581A>G (p.Gln194Arg)

Gene: CLN8 (CLN8 transmembrane ER and ERGIC protein; plus strand). Cytogenetic location: 8p23.3.
Variant type: single nucleotide variant.
Coding change: c.581A>G on transcript NM_018941.4 (MANE Select); coding-DNA position 581, A replaced by G.
Protein change: p.Gln194Arg; replaces glutamine 194 with arginine.
Molecular consequence: missense variant.
Genome position (GRCh38, 1-based): chr8:1,780,287, A>G. VCF-style: chr8-1780287-A-G. GRCh37 (hg19) VCF-style: chr8-1728453-A-G.
Other names: short protein forms Q194R.
Identifiers: ClinVar variation 56714 (VCV000056714.2), dbSNP rs386834133, ClinGen allele CA264180.

ClinVar aggregate classification (germline): Likely pathogenic (0 of 4 stars; one submission).

Conditions:
Neuronal ceroid lipofuscinosis 8 (CLN8). Also called: CLN8-Related Neuronal Ceroid-Lipofuscinosis. Identifiers: Orphanet 168491, Orphanet 228354, Orphanet 79264, MedGen C1838570, MONDO:0010830, OMIM 600143.

Allele frequency attached by ClinVar (database versions not stated): gnomAD exomes below 0.00001; TOPMed below 0.00001.
gnomAD v4.1: 1 of 1,614,260 alleles (0.000062%); highest among the groups gnomAD compares: Non-Finnish European, 0.000085%; no homozygotes.

Submission:

Juha Muilu Group; Institute for Molecular Medicine Finland (FIMM)
Classification: Likely pathogenic for Ceroid lipofuscinosis neuronal 8. Review status: no assertion criteria provided. Collection method: not provided. Allele origin: unknown.
Comment: FinDis database variant: This variant was not found or characterized by our laboratory, data were collected from public sources: see reference
ClinVar note: Converted during submission from probable-pathogenic to Likely pathogenic.